The following is an entry in ClinVar:

NM_015450.3(POT1):c.879A>C (p.Glu293Asp)

Gene: POT1 (protection of telomeres 1; minus strand). Cytogenetic location: 7q31.33.
Variant type: single nucleotide variant.
Coding change: c.879A>C on transcript NM_015450.3 (MANE Select); coding-DNA position 879, A replaced by C.
Protein change: p.Glu293Asp; replaces glutamic acid 293 with aspartic acid.
Molecular consequence: missense variant. On other transcripts: non-coding transcript variant (3).
Genome position (GRCh38, 1-based): chr7:124,851,942, T>G on the plus strand (A>C on the coding strand, the complement: POT1 is on the minus strand). VCF-style: chr7-124851942-T-G. GRCh37 (hg19) VCF-style: chr7-124491996-T-G.
Other names: c.486A>C, p.Glu162Asp (NM_001042594.2); short protein forms E293D, E162D.
Identifiers: ClinVar variation 3308985 (VCV003308985.1).

ClinVar aggregate classification (germline): Uncertain significance (1 of 4 stars; one submission).

Conditions:
Hereditary cancer-predisposing syndrome. Also called: Neoplastic Syndromes, Hereditary; Tumor predisposition; Hereditary neoplastic syndrome; Hereditary Cancer Syndrome. Identifiers: Orphanet 140162, MedGen C0027672, MeSH D009386, MONDO:0015356.

Submission:

Ambry Genetics
Classification: Uncertain significance for Hereditary cancer-predisposing syndrome. Last evaluated: 2024-06-12. Review status: criteria provided, single submitter. Criteria: Ambry Variant Classification Scheme 2023. Collection method: clinical testing. Allele origin: germline.
Comment: The p.E293D variant (also known as c.879A>C), located in coding exon 7 of the POT1 gene, results from an A to C substitution at nucleotide position 879. The glutamic acid at codon 293 is replaced by aspartic acid, an amino acid with highly similar properties. This amino acid position is conserved. In addition, this alteration is predicted to be tolerated by in silico analysis. Based on the available evidence, the clinical significance of this variant remains unclear.